The following is an entry in ClinVar:

ClinVar aggregate classification (germline): Uncertain significance (1 of 4 stars; one submission).

Submission:

Labcorp Genetics (formerly Invitae), Labcorp
Classification: Uncertain significance. Last evaluated: 2025-04-23. Review status: criteria provided, single submitter. Criteria: Invitae Variant Classification Sherloc (09022015). Collection method: clinical testing. Allele origin: germline.
Comment: This sequence change replaces methionine, which is neutral and non-polar, with valine, which is neutral and non-polar, at codon 16 of the RSPO2 protein (p.Met16Val). This variant is present in population databases (rs370155369, gnomAD 0.002%). This variant has not been reported in the literature in individuals affected with RSPO2-related conditions. Invitae Evidence Modeling of protein sequence and biophysical properties (such as structural, functional, and spatial information, amino acid conservation, physicochemical variation, residue mobility, and thermodynamic stability) indicates that this missense variant is not expected to disrupt RSPO2 protein function with a negative predictive value of 80%. In summary, the available evidence is currently insufficient to determine the role of this variant in disease. Therefore, it has been classified as a Variant of Uncertain Significance.

NM_178565.5(RSPO2):c.46A>G (p.Met16Val)

Genes: RSPO2 (R-spondin 2; minus strand), LOC124174315 (Sharpr-MPRA regulatory region 222; plus strand). Cytogenetic location: 8q23.1.
Variant type: single nucleotide variant.
Coding change: c.46A>G on transcript NM_178565.5 (MANE Select); coding-DNA position 46, A replaced by G.
Protein change: p.Met16Val; replaces methionine 16 with valine.
Molecular consequence: missense variant.
Genome position (GRCh38, 1-based): chr8:108,082,593, T>C on the plus strand (A>G on the coding strand, the complement: RSPO2 is on the minus strand). VCF-style: chr8-108082593-T-C. GRCh37 (hg19) VCF-style: chr8-109094821-T-C.
Other names: c.46A>G, p.Met16Val (NM_001282863.2); short protein forms M16V.
Identifiers: ClinVar variation 4781919 (VCV004781919.1).